The following is an entry in ClinVar:

NM_003803.4(MYOM1):c.4492G>A (p.Ala1498Thr)

Gene: MYOM1 (myomesin 1; minus strand). Cytogenetic location: 18p11.31.
Variant type: single nucleotide variant.
Coding change: c.4492G>A on transcript NM_003803.4 (MANE Select); coding-DNA position 4492, G replaced by A.
Protein change: p.Ala1498Thr; replaces alanine 1498 with threonine.
Molecular consequence: missense variant.
Genome position (GRCh38, 1-based): chr18:3,079,335, C>T on the plus strand (G>A on the coding strand, the complement: MYOM1 is on the minus strand). VCF-style: chr18-3079335-C-T. GRCh37 (hg19) VCF-style: chr18-3079333-C-T.
Other names: c.4204G>A, p.Ala1402Thr (NM_019856.2); short protein forms A1402T, A1498T.
Identifiers: ClinVar variation 2082899 (VCV002082899.5), dbSNP rs768530234, ClinGen allele CA8873917.

ClinVar aggregate classification (germline): Uncertain significance. Review status: criteria provided, multiple submitters, no conflicts (2 of 4 stars). 2 submissions from 2 submitters: Uncertain significance (2). Last evaluated 2025-04-20.

Conditions:
Hypertrophic cardiomyopathy. Also called: HYPERTROPHIC MYOCARDIOPATHY. Identifiers: Orphanet 217569, MedGen C0007194, MeSH D002312, MONDO:0005045, HP:0001639.

Allele frequency attached by ClinVar (database versions not stated): gnomAD 0.00001; ExAC 0.00002.
gnomAD v4.1: 9 of 1,605,764 alleles (0.00056%); highest among the groups gnomAD compares: Admixed American, 0.0051%; no homozygotes.

Submissions (2):

Labcorp Genetics (formerly Invitae), Labcorp
Classification: Uncertain significance for Hypertrophic cardiomyopathy. Last evaluated: 2025-04-20. Review status: criteria provided, single submitter. Criteria: Invitae Variant Classification Sherloc (09022015). Collection method: clinical testing. Allele origin: germline.
Comment: This sequence change replaces alanine, which is neutral and non-polar, with threonine, which is neutral and polar, at codon 1498 of the MYOM1 protein (p.Ala1498Thr). This variant is present in population databases (rs768530234, gnomAD 0.009%). This variant has not been reported in the literature in individuals affected with MYOM1-related conditions. ClinVar contains an entry for this variant (Variation ID: 2082899). Invitae Evidence Modeling of protein sequence and biophysical properties (such as structural, functional, and spatial information, amino acid conservation, physicochemical variation, residue mobility, and thermodynamic stability) indicates that this missense variant is not expected to disrupt MYOM1 protein function with a negative predictive value of 80%. In summary, the available evidence is currently insufficient to determine the role of this variant in disease. Therefore, it has been classified as a Variant of Uncertain Significance.

Ambry Genetics
Classification: Uncertain significance. Last evaluated: 2023-12-07. Review status: criteria provided, single submitter. Criteria: Ambry Variant Classification Scheme 2023. Collection method: clinical testing. Allele origin: germline.
Comment: The p.A1498T variant (also known as c.4492G>A), located in coding exon 33 of the MYOM1 gene, results from a G to A substitution at nucleotide position 4492. The alanine at codon 1498 is replaced by threonine, an amino acid with similar properties. This amino acid position is conserved. In addition, this alteration is predicted to be tolerated by in silico analysis. Since supporting evidence is limited at this time, the clinical significance of this alteration remains unclear.